The following is an entry in ClinVar:

ClinVar aggregate classification (germline): Uncertain significance. Review status: criteria provided, multiple submitters, no conflicts (2 of 4 stars). 2 submissions from 2 submitters: Uncertain significance (2). Last evaluated 2025-01-31.

Allele frequency attached by ClinVar (database versions not stated): gnomAD exomes 0.00002 and 0.00006; ExAC 0.00008; 1000 Genomes Project 30x 0.00016; 1000 Genomes Project 0.00020; ESP Exome Variant Server 0.00023; gnomAD 0.00030 and 0.00034; TOPMed 0.00037.
gnomAD v4.1: 79 of 1,449,774 alleles (0.0054%); highest among the groups gnomAD compares: African/African-American, 0.1%; no homozygotes.

Submissions (2):

Ambry Genetics
Classification: Uncertain significance. Last evaluated: 2025-01-31. Review status: criteria provided, single submitter. Criteria: Ambry Variant Classification Scheme 2023. Collection method: clinical testing. Allele origin: germline.

Labcorp Genetics (formerly Invitae), Labcorp
Classification: Uncertain significance. Last evaluated: 2022-10-18. Review status: criteria provided, single submitter. Criteria: Invitae Variant Classification Sherloc (09022015). Collection method: clinical testing. Allele origin: germline.
Comment: This sequence change replaces alanine, which is neutral and non-polar, with glycine, which is neutral and non-polar, at codon 845 of the CCDC88A protein (p.Ala845Gly). This variant is present in population databases (rs138798815, gnomAD 0.1%). This variant has not been reported in the literature in individuals affected with CCDC88A-related conditions. ClinVar contains an entry for this variant (Variation ID: 1511196). Algorithms developed to predict the effect of missense changes on protein structure and function are either unavailable or do not agree on the potential impact of this missense change (SIFT: "Tolerated"; PolyPhen-2: "Probably Damaging"; Align-GVGD: "Class C0"). In summary, the available evidence is currently insufficient to determine the role of this variant in disease. Therefore, it has been classified as a Variant of Uncertain Significance.

NM_001365480.1(CCDC88A):c.2534C>G (p.Ala845Gly)

Gene: CCDC88A (coiled-coil domain containing 88A; minus strand). Cytogenetic location: 2p16.1.
Variant type: single nucleotide variant.
Coding change: c.2534C>G on transcript NM_001365480.1 (MANE Select); coding-DNA position 2534, C replaced by G.
Protein change: p.Ala845Gly; replaces alanine 845 with glycine.
Molecular consequence: missense variant.
Genome position (GRCh38, 1-based): chr2:55,334,287, G>C on the plus strand (C>G on the coding strand, the complement: CCDC88A is on the minus strand). VCF-style: chr2-55334287-G-C. GRCh37 (hg19) VCF-style: chr2-55561423-G-C.
Other names: c.2534C>G, p.Ala845Gly (NM_001135597.2, NM_001254943.2, NM_018084.5); c.2534C>G (NM_001135597.1); short protein forms A845G.
Identifiers: ClinVar variation 1511196 (VCV001511196.5), dbSNP rs138798815, ClinGen allele CA1665968.